The following is an entry in ClinVar:

ClinVar aggregate classification (germline): Likely benign. Review status: criteria provided, single submitter (1 of 4 stars). 2 submissions from 2 submitters: Likely benign (1). 1 of the submissions does not count toward it. Last evaluated 2024-06-12.

Conditions:
CREBBP-related disorder. Also called: CREBBP-related disorders; CREBBP-related condition.
Rubinstein-Taybi syndrome due to CREBBP mutations (RSTS1). Also called: CREBBP-Related Rubinstein-Taybi Syndrome; BROAD THUMBS AND GREAT TOES, CHARACTERISTIC FACIES, AND IMPAIRED INTELLECTUAL DEVELOPMENT; RUBINSTEIN-TAYBI SYNDROME 1, INCOMPLETE; BROAD THUMB-HALLUX SYNDROME; RUBINSTEIN SYNDROME; Rubinstein-Taybi syndrome 1. Identifiers: Orphanet 353277, Orphanet 783, MedGen C4551859, MONDO:0008393, OMIM 180849.
Menke-Hennekam syndrome 1 (MKHK1). Identifiers: MedGen C5193034, MONDO:0020763, OMIM 618332.

Allele frequency attached by ClinVar (database versions not stated): gnomAD exomes below 0.00001; gnomAD 0.00001; TOPMed 0.00005.
gnomAD v4.1: 7 of 1,609,044 alleles (0.00044%); highest among the groups gnomAD compares: African/African-American, 0.0093%; no homozygotes.

Submissions (2):

Fulgent Genetics
Classification: Likely benign for Rubinstein-Taybi syndrome due to CREBBP mutations; Menke-Hennekam syndrome 1. Last evaluated: 2024-06-12. Review status: criteria provided, single submitter. Criteria: ACMG Guidelines, 2015. Collection method: clinical testing. Allele origin: germline.

PreventionGenetics, part of Exact Sciences
Classification: Likely benign for CREBBP-related condition. Last evaluated: 2024-01-20. Review status: no assertion criteria provided. Collection method: clinical testing. Allele origin: germline. Not counted in ClinVar's aggregate classification.
Comment: This variant is classified as likely benign based on ACMG/AMP sequence variant interpretation guidelines (Richards et al. 2015 PMID: 25741868, with internal and published modifications).

NM_004380.3(CREBBP):c.4959C>T (p.Asp1653=)

Gene: CREBBP (CREB binding lysine acetyltransferase; minus strand). Cytogenetic location: 16p13.3.
Variant type: single nucleotide variant.
Coding change: c.4959C>T on transcript NM_004380.3 (MANE Select); coding-DNA position 4959, C replaced by T.
Protein change: p.Asp1653=; no amino-acid change (aspartic acid 1653 retained).
Molecular consequence: synonymous variant.
Genome position (GRCh38, 1-based): chr16:3,731,405, G>A on the plus strand (C>T on the coding strand, the complement: CREBBP is on the minus strand). VCF-style: chr16-3731405-G-A. GRCh37 (hg19) VCF-style: chr16-3781406-G-A.
Other names: c.4845C>T, p.Asp1615= (NM_001079846.1).
Identifiers: ClinVar variation 3040200 (VCV003040200.3), dbSNP rs1462383393, ClinGen allele CA493394624.